The following is an entry in ClinVar:

ClinVar aggregate classification (germline): Uncertain significance (1 of 4 stars; one submission).

Submission:

GeneDx
Classification: Uncertain significance. Last evaluated: 2023-07-26. Review status: criteria provided, single submitter. Criteria: GeneDx Variant Classification Process June 2021. Collection method: clinical testing. Allele origin: germline. Affected: yes.
Comment: Identified in an individual with a neurodevelopmental disorder, but segregation and detailed clinical information was not provided (Wang et al., 2020); Not observed at significant frequency in large population cohorts (gnomAD); In silico analysis supports that this missense variant has a deleterious effect on protein structure/function; This variant is associated with the following publications: (PMID: 33004838)

NM_207037.2(TCF12):c.1099C>T (p.Pro367Ser)

Gene: TCF12 (transcription factor 12; plus strand). Cytogenetic location: 15q21.3.
Variant type: single nucleotide variant.
Coding change: c.1099C>T on transcript NM_207037.2 (MANE Select); coding-DNA position 1099, C replaced by T.
Protein change: p.Pro367Ser; replaces proline 367 with serine.
Molecular consequence: missense variant.
Genome position (GRCh38, 1-based): chr15:57,243,535, C>T. VCF-style: chr15-57243535-C-T. GRCh37 (hg19) VCF-style: chr15-57535733-C-T.
Other names: c.589C>T, p.Pro197Ser (NM_001306219.3, NM_207040.2); c.391C>T, p.Pro131Ser (NM_001306220.3); c.1099C>T, p.Pro367Ser (NM_001322151.2, NM_001322152.2, NM_001322157.3 and 7 more transcripts); c.442C>T, p.Pro148Ser (NM_001322154.2); c.925C>T, p.Pro309Ser (NM_001322156.2, NM_001322158.2); c.1135C>T, p.Pro379Ser (NM_001322164.2); short protein forms P131S, P148S, P197S, P309S, P367S, P379S.
Identifiers: ClinVar variation 3343949 (VCV003343949.1).